The following is an entry in ClinVar:

NM_152416.4(NDUFAF6):c.591T>A (p.Asp197Glu)

Gene: NDUFAF6 (NADH:ubiquinone oxidoreductase complex assembly factor 6; plus strand). Cytogenetic location: 8q22.1.
Variant type: single nucleotide variant.
Coding change: c.591T>A on transcript NM_152416.4 (MANE Select); coding-DNA position 591, T replaced by A.
Protein change: p.Asp197Glu; replaces aspartic acid 197 with glutamic acid.
Molecular consequence: missense variant. On other transcripts: non-coding transcript variant (5).
Genome position (GRCh38, 1-based): chr8:95,047,004, T>A. VCF-style: chr8-95047004-T-A. GRCh37 (hg19) VCF-style: chr8-96059232-T-A.
Other names: c.315T>A, p.Asp105Glu (NM_001330582.2, NM_001354514.2, NM_001354515.2 and 1 more transcripts); c.435T>A, p.Asp145Glu (NM_001354516.2); c.258T>A, p.Asp86Glu (NM_001354517.2, NM_001354518.2, NM_001354519.2 and 1 more transcripts); c.135T>A, p.Asp45Glu (NM_001354522.2, NM_001354524.2, NM_001354525.2 and 7 more transcripts); short protein forms D197E, D145E, D86E, D105E, D45E.
Identifiers: ClinVar variation 2985033 (VCV002985033.3), dbSNP rs1830846972, ClinGen allele CA371745969.

ClinVar aggregate classification (germline): Uncertain significance (1 of 4 stars; one submission).

Allele frequency attached by ClinVar (database versions not stated): TOPMed below 0.00001.

Submission:

Labcorp Genetics (formerly Invitae), Labcorp
Classification: Uncertain significance. Last evaluated: 2024-01-22. Review status: criteria provided, single submitter. Criteria: Invitae Variant Classification Sherloc (09022015). Collection method: clinical testing. Allele origin: germline.
Comment: This sequence change replaces aspartic acid, which is acidic and polar, with glutamic acid, which is acidic and polar, at codon 197 of the NDUFAF6 protein (p.Asp197Glu). This variant is not present in population databases (gnomAD no frequency). This variant has not been reported in the literature in individuals affected with NDUFAF6-related conditions. Advanced modeling of protein sequence and biophysical properties (such as structural, functional, and spatial information, amino acid conservation, physicochemical variation, residue mobility, and thermodynamic stability) performed at Invitae indicates that this missense variant is not expected to disrupt NDUFAF6 protein function with a negative predictive value of 80%. In summary, the available evidence is currently insufficient to determine the role of this variant in disease. Therefore, it has been classified as a Variant of Uncertain Significance.